The following is an entry in ClinVar:

ClinVar aggregate classification (germline): Likely benign (1 of 4 stars; one submission).

gnomAD v4.1: 5 of 1,586,016 alleles (0.00032%); highest among the groups gnomAD compares: Admixed American, 0.0017%; no homozygotes.

Submission:

CeGaT Center for Human Genetics Tuebingen
Classification: Likely benign. Last evaluated: 2026-01-01. Review status: criteria provided, single submitter. Criteria: CeGaT Center For Human Genetics Tuebingen Variant Classification Criteria Version 2. Collection method: clinical testing. Allele origin: germline. Affected: yes. Observed: 1 variant allele.
Comment: RP1L1: BP4, BP7

NM_178857.6(RP1L1):c.6213C>A (p.Val2071=)

Gene: RP1L1 (RP1 like 1). Cytogenetic location: 8p23.1.
Variant type: single nucleotide variant.
Coding change: c.6213C>A on transcript NM_178857.6 (MANE Select); coding-DNA position 6213, C replaced by A.
Protein change: p.Val2071=; no amino-acid change (valine 2071 retained).
Molecular consequence: synonymous variant.
Genome position (GRCh38, 1-based): chr8:10,607,885, G>T on the plus strand (C>A on the coding strand, the complement: RP1L1 is on the minus strand). VCF-style: chr8-10607885-G-T. GRCh37 (hg19) VCF-style: chr8-10465395-G-T.
Identifiers: ClinVar variation 4821840 (VCV004821840.4).